The following is an entry in ClinVar:

ClinVar aggregate classification (germline): Uncertain significance (1 of 4 stars; one submission).

gnomAD v4.1: 18 of 1,613,392 alleles (0.0011%); highest among the groups gnomAD compares: East Asian, 0.038%; no homozygotes.

Submission:

Labcorp Genetics (formerly Invitae), Labcorp
Classification: Uncertain significance. Last evaluated: 2022-08-09. Review status: criteria provided, single submitter. Criteria: Invitae Variant Classification Sherloc (09022015). Collection method: clinical testing. Allele origin: germline.
Comment: This sequence change replaces aspartic acid, which is acidic and polar, with histidine, which is basic and polar, at codon 1051 of the MYO7A protein (p.Asp1051His). This variant is not present in population databases (gnomAD no frequency). This variant has not been reported in the literature in individuals affected with MYO7A-related conditions. ClinVar contains an entry for this variant (Variation ID: 523747). Advanced modeling of protein sequence and biophysical properties (such as structural, functional, and spatial information, amino acid conservation, physicochemical variation, residue mobility, and thermodynamic stability) performed at Invitae indicates that this missense variant is expected to disrupt MYO7A protein function. In summary, the available evidence is currently insufficient to determine the role of this variant in disease. Therefore, it has been classified as a Variant of Uncertain Significance.

NM_000260.4(MYO7A):c.3151G>C (p.Asp1051His)

Gene: MYO7A (myosin VIIA; plus strand). Cytogenetic location: 11q13.5.
Variant type: single nucleotide variant.
Coding change: c.3151G>C on transcript NM_000260.4 (MANE Select); coding-DNA position 3151, G replaced by C.
Protein change: p.Asp1051His; replaces aspartic acid 1051 with histidine.
Molecular consequence: missense variant.
Genome position (GRCh38, 1-based): chr11:77,182,466, G>C. VCF-style: chr11-77182466-G-C. GRCh37 (hg19) VCF-style: chr11-76893511-G-C.
Other names: c.3151G>C, p.Asp1051His (NM_001127180.2); c.3118G>C, p.Asp1040His (NM_001369365.1); short protein forms D1051H, D1040H.
Identifiers: ClinVar variation 523747 (VCV000523747.6), dbSNP rs1231006188, ClinGen allele CA381944631.